The following is an entry in ClinVar:

ClinVar aggregate classification (germline): Uncertain significance (1 of 4 stars; one submission).

Conditions:
Autosomal dominant nocturnal frontal lobe epilepsy 5. Also called: CILIARY DYSKINESIA, PRIMARY, 28, WITHOUT SITUS INVERSUS; CILIARY DYSKINESIA, PRIMARY, 28, WITH SITUS INVERSUS; KCNT1-Related Epilepsy; Epilepsy, nocturnal frontal lobe, 5. Identifiers: Orphanet 98784, MedGen C3554306, MONDO:0014002, OMIM 615005.
Developmental and epileptic encephalopathy, 14 (DEE14). Also called: Early infantile epileptic encephalopathy 14. Identifiers: Orphanet 293181, MedGen C3554195, MONDO:0013989, OMIM 614959.

Submission:

Labcorp Genetics (formerly Invitae), Labcorp
Classification: Uncertain significance for Autosomal dominant nocturnal frontal lobe epilepsy 5; Developmental and epileptic encephalopathy, 14. Last evaluated: 2025-09-22. Review status: criteria provided, single submitter. Criteria: Invitae Variant Classification Sherloc (09022015). Collection method: clinical testing. Allele origin: germline.
Comment: This sequence change falls in intron 10 of the KCNT1 gene. It does not directly change the encoded amino acid sequence of the KCNT1 protein. This variant is not present in population databases (gnomAD no frequency). This variant has not been reported in the literature in individuals affected with KCNT1-related conditions. Algorithms developed to predict the effect of sequence changes on RNA splicing suggest that this variant may disrupt the consensus splice site. In summary, the available evidence is currently insufficient to determine the role of this variant in disease. Therefore, it has been classified as a Variant of Uncertain Significance.

NM_020822.3(KCNT1):c.855-14G>T

Gene: KCNT1 (potassium sodium-activated channel subfamily T member 1; plus strand). Cytogenetic location: 9q34.3.
Variant type: single nucleotide variant.
Coding change: c.855-14G>T on transcript NM_020822.3 (MANE Select); 14 bases into the intron before coding-DNA position 855, G replaced by T.
Molecular consequence: intron variant.
Genome position (GRCh38, 1-based): chr9:135,759,665, G>T. VCF-style: chr9-135759665-G-T. GRCh37 (hg19) VCF-style: chr9-138651511-G-T.
Other names: c.711-5G>T (NM_001272003.2).
Identifiers: ClinVar variation 4782327 (VCV004782327.1).